The following is an entry in ClinVar:

ClinVar aggregate classification (germline): Uncertain significance. Review status: criteria provided, multiple submitters, no conflicts (2 of 4 stars). 2 submissions from 2 submitters: Uncertain significance (2). Last evaluated 2025-08-23.

Conditions:
Inborn genetic diseases. Identifiers: MedGen C0950123, MeSH D030342.
Congenital disorder of glycosylation, type Ii. Also called: ALG2-congenital disorder of glycosylation; CDG Ii; ALG2-CDG. Identifiers: Orphanet 79326, MedGen C1842836, MONDO:0011933, OMIM 607906.
Congenital myasthenic syndrome 14. Also called: Myasthenic syndrome, congenital, 14, with tubular aggregates. Identifiers: Orphanet 353327, Orphanet 590, MedGen C4015597, MONDO:0014543, OMIM 616228.

Allele frequency attached by ClinVar (database versions not stated): gnomAD 0.00007 and 0.00009; ESP Exome Variant Server 0.00008; gnomAD exomes below 0.00001; TOPMed 0.00007.
gnomAD v4.1: 14 of 1,614,086 alleles (0.00087%); highest among the groups gnomAD compares: African/African-American, 0.017%; no homozygotes.

Submissions (2):

Ambry Genetics
Classification: Uncertain significance for Inborn genetic diseases. Last evaluated: 2025-08-23. Review status: criteria provided, single submitter. Criteria: Ambry Variant Classification Scheme 2023. Collection method: clinical testing. Allele origin: germline.

Labcorp Genetics (formerly Invitae), Labcorp
Classification: Uncertain significance for Congenital disorder of glycosylation, type Ii; Congenital myasthenic syndrome 14. Last evaluated: 2022-07-26. Review status: criteria provided, single submitter. Criteria: Invitae Variant Classification Sherloc (09022015). Collection method: clinical testing. Allele origin: germline.
Comment: This sequence change replaces serine, which is neutral and polar, with isoleucine, which is neutral and non-polar, at codon 323 of the ALG2 protein (p.Ser323Ile). This variant is present in population databases (rs373454393, gnomAD 0.007%). This variant has not been reported in the literature in individuals affected with ALG2-related conditions. ClinVar contains an entry for this variant (Variation ID: 851540). Algorithms developed to predict the effect of missense changes on protein structure and function are either unavailable or do not agree on the potential impact of this missense change (SIFT: "Deleterious"; PolyPhen-2: "Possibly Damaging"; Align-GVGD: "Class C0"). In summary, the available evidence is currently insufficient to determine the role of this variant in disease. Therefore, it has been classified as a Variant of Uncertain Significance.

NM_033087.4(ALG2):c.968G>T (p.Ser323Ile)

Gene: ALG2 (ALG2 alpha-1,3/1,6-mannosyltransferase; minus strand). Cytogenetic location: 9q22.33.
Variant type: single nucleotide variant.
Coding change: c.968G>T on transcript NM_033087.4 (MANE Select); coding-DNA position 968, G replaced by T.
Protein change: p.Ser323Ile; replaces serine 323 with isoleucine.
Molecular consequence: missense variant. On other transcripts: non-coding transcript variant (1).
Genome position (GRCh38, 1-based): chr9:99,218,217, C>A on the plus strand (G>T on the coding strand, the complement: ALG2 is on the minus strand). VCF-style: chr9-99218217-C-A. GRCh37 (hg19) VCF-style: chr9-101980499-C-A.
Other names: short protein forms S323I.
Identifiers: ClinVar variation 851540 (VCV000851540.8), dbSNP rs373454393, ClinGen allele CA196852969.